The following is an entry in ClinVar:

NM_001166108.2(PALLD):c.1386C>T (p.Cys462=)

Gene: PALLD (palladin, cytoskeletal associated protein; plus strand). Cytogenetic location: 4q32.3.
Variant type: single nucleotide variant.
Coding change: c.1386C>T on transcript NM_001166108.2 (MANE Select); coding-DNA position 1386, C replaced by T.
Protein change: p.Cys462=; no amino-acid change (cysteine 462 retained).
Molecular consequence: synonymous variant.
Genome position (GRCh38, 1-based): chr4:168,690,653, C>T. VCF-style: chr4-168690653-C-T. GRCh37 (hg19) VCF-style: chr4-169611804-C-T.
Other names: c.240C>T, p.Cys80= (NM_001166109.2); c.1386C>T, p.Cys462= (NM_016081.4).
Identifiers: ClinVar variation 348038 (VCV000348038.7), dbSNP rs199755853, ClinGen allele CA3135600.

ClinVar aggregate classification (germline): Likely benign. Review status: criteria provided, multiple submitters, no conflicts (2 of 4 stars). 2 submissions from 2 submitters: Likely benign (2). Last evaluated 2022-02-12.

Conditions:
Pancreatic cancer, susceptibility to, 1. Identifiers: Orphanet 1333, MedGen C1847351, MONDO:0011739, OMIM 606856.

Allele frequency attached by ClinVar (database versions not stated): ExAC 0.00007; gnomAD exomes 0.00012 and 0.00025; TOPMed 0.00012; gnomAD 0.00013 and 0.00014.
gnomAD v4.1: 402 of 1,613,984 alleles (0.025%); highest among the groups gnomAD compares: Non-Finnish European, 0.031%; no homozygotes.

Submissions (2):

Ambry Genetics
Classification: Likely benign. Last evaluated: 2022-02-12. Review status: criteria provided, single submitter. Criteria: Ambry Variant Classification Scheme 2023. Collection method: clinical testing. Allele origin: germline.

Illumina Laboratory Services, Illumina
Classification: Likely benign for Pancreatic cancer, susceptibility to, 1. Last evaluated: 2018-01-12. Review status: criteria provided, single submitter. Criteria: ICSL Variant Classification Criteria 13 December 2019. Collection method: clinical testing. Allele origin: germline.
Comment: This variant was observed in the ICSL laboratory as part of a predisposition screen in an ostensibly healthy population. It had not been previously curated by ICSL or reported in the Human Gene Mutation Database (HGMD: prior to June 1st, 2018), and was therefore a candidate for classification through an automated scoring system. Utilizing variant allele frequency, disease prevalence and penetrance estimates, and inheritance mode, an automated score was calculated to assess if this variant is too frequent to cause the disease. Based on the score and internal cut-off values, a variant classified as likely benign is not then subjected to further curation. The score for this variant resulted in a classification of likely benign for this disease.